The following is an entry in ClinVar:

ClinVar aggregate classification (germline): Uncertain significance (1 of 4 stars; one submission).

Conditions:
Familial thoracic aortic aneurysm and aortic dissection (TAAD). Also called: Thoracic aortic aneurysms and dissections. Identifiers: Orphanet 91387, MedGen C4707243, MONDO:0019625.

Submission:

Ambry Genetics
Classification: Uncertain significance for Familial thoracic aortic aneurysm and aortic dissection. Last evaluated: 2025-02-13. Review status: criteria provided, single submitter. Criteria: Ambry Variant Classification Scheme 2023. Collection method: clinical testing. Allele origin: germline.
Comment: The p.E863K variant (also known as c.2587G>A), located in coding exon 15 of the MYLK gene, results from a G to A substitution at nucleotide position 2587. The glutamic acid at codon 863 is replaced by lysine, an amino acid with similar properties. This amino acid position is conserved. In addition, this alteration is predicted to be tolerated by in silico analysis. Based on the available evidence, the clinical significance of this variant remains unclear.

NM_053025.4(MYLK):c.2587G>A (p.Glu863Lys)

Gene: MYLK (myosin light chain kinase; minus strand). Cytogenetic location: 3q21.1.
Variant type: single nucleotide variant.
Coding change: c.2587G>A on transcript NM_053025.4 (MANE Select); coding-DNA position 2587, G replaced by A.
Protein change: p.Glu863Lys; replaces glutamic acid 863 with lysine.
Molecular consequence: missense variant.
Genome position (GRCh38, 1-based): chr3:123,700,881, C>T on the plus strand (G>A on the coding strand, the complement: MYLK is on the minus strand). VCF-style: chr3-123700881-C-T. GRCh37 (hg19) VCF-style: chr3-123419728-C-T.
Other names: c.2059G>A, p.Glu687Lys (NM_001321309.2); c.2380G>A, p.Glu794Lys (NM_053026.4, NM_053028.4); c.2587G>A, p.Glu863Lys (NM_053027.4); short protein forms E794K, E687K, E863K.
Identifiers: ClinVar variation 3297626 (VCV003297626.2).